The following is an entry in ClinVar:

NM_000553.6(WRN):c.1126G>A (p.Asp376Asn)

Gene: WRN (WRN RecQ like helicase; plus strand). Cytogenetic location: 8p12.
Variant type: single nucleotide variant.
Coding change: c.1126G>A on transcript NM_000553.6 (MANE Select); coding-DNA position 1126, G replaced by A.
Protein change: p.Asp376Asn; replaces aspartic acid 376 with asparagine.
Molecular consequence: missense variant.
Genome position (GRCh38, 1-based): chr8:31,081,153, G>A. VCF-style: chr8-31081153-G-A. GRCh37 (hg19) VCF-style: chr8-30938669-G-A.
Other names: short protein forms D376N.
Identifiers: ClinVar variation 2879936 (VCV002879936.3), dbSNP rs1473761243, ClinGen allele CA370920850.

ClinVar aggregate classification (germline): Uncertain significance (1 of 4 stars; one submission).

Conditions:
Werner syndrome (WRN). Identifiers: Orphanet 902, MedGen C0043119, MONDO:0010196, OMIM 277700.

gnomAD v4.1: 1 of 1,613,942 alleles (0.000062%); no homozygotes.

Submission:

Labcorp Genetics (formerly Invitae), Labcorp
Classification: Uncertain significance for Werner syndrome. Last evaluated: 2023-09-25. Review status: criteria provided, single submitter. Criteria: Invitae Variant Classification Sherloc (09022015). Collection method: clinical testing. Allele origin: germline.
Comment: This sequence change replaces aspartic acid, which is acidic and polar, with asparagine, which is neutral and polar, at codon 376 of the WRN protein (p.Asp376Asn). This variant is not present in population databases (gnomAD no frequency). This variant has not been reported in the literature in individuals affected with WRN-related conditions. Algorithms developed to predict the effect of missense changes on protein structure and function output the following: SIFT: "Not Available"; PolyPhen-2: "Benign"; Align-GVGD: "Not Available". The asparagine amino acid residue is found in multiple mammalian species, which suggests that this missense change does not adversely affect protein function. In summary, the available evidence is currently insufficient to determine the role of this variant in disease. Therefore, it has been classified as a Variant of Uncertain Significance.